The following is an entry in ClinVar:

NM_004204.5(PIGQ):c.682G>C (p.Ala228Pro)

Gene: PIGQ (phosphatidylinositol glycan anchor biosynthesis class Q; plus strand). Cytogenetic location: 16p13.3.
Variant type: single nucleotide variant.
Coding change: c.682G>C on transcript NM_004204.5 (MANE Select); coding-DNA position 682, G replaced by C.
Protein change: p.Ala228Pro; replaces alanine 228 with proline.
Molecular consequence: missense variant.
Genome position (GRCh38, 1-based): chr16:574,756, G>C. VCF-style: chr16-574756-G-C. GRCh37 (hg19) VCF-style: chr16-624756-G-C.
Other names: c.682G>C, p.Ala228Pro (NM_148920.4); short protein forms A228P.
Identifiers: ClinVar variation 1306372 (VCV001306372.7), dbSNP rs768970883, ClinGen allele CA7779935.
Genomic context (GRCh38, chr16:574,756, plus strand): 5'-GCCTCGGGACCCATTTGCCTGCTGTTGGCCAGCCTGCTGTCGCTGGTCTCAGCTGTCAGT[G>C]CCTGCCGGTAGGTGTCCCGGGACAGGCAGGTGGCAAAGAGTGGGGTCCCATGAGTGCTGG-3'
Protein context (NP_004195.2, residues 218-238): SLLSLVSAVS[Ala228Pro]CRVFKLWPLS

ClinVar aggregate classification (germline): Uncertain significance. Review status: criteria provided, multiple submitters, no conflicts (2 of 4 stars). 2 submissions from 2 submitters: Uncertain significance (2). Last evaluated 2025-02-24.

Conditions:
Epilepsy. Also called: Seizure disorder. Identifiers: MedGen C0014544, MeSH D004827, MONDO:0005027.

Allele frequency attached by ClinVar (database versions not stated): TOPMed 0.00001; ExAC 0.00002; gnomAD exomes 0.00002; gnomAD 0.00005.
gnomAD v4.1: 39 of 1,568,388 alleles (0.0025%); highest among the groups gnomAD compares: Non-Finnish European, 0.0033%; no homozygotes.

Submissions (2):

Labcorp Genetics (formerly Invitae), Labcorp
Classification: Uncertain significance for Epilepsy. Last evaluated: 2025-02-24. Review status: criteria provided, single submitter. Criteria: Invitae Variant Classification Sherloc (09022015). Collection method: clinical testing. Allele origin: germline.
Comment: This sequence change replaces alanine, which is neutral and non-polar, with proline, which is neutral and non-polar, at codon 228 of the PIGQ protein (p.Ala228Pro). This variant is present in population databases (rs768970883, gnomAD 0.006%). This variant has not been reported in the literature in individuals affected with PIGQ-related conditions. ClinVar contains an entry for this variant (Variation ID: 1306372). An algorithm developed to predict the effect of missense changes on protein structure and function (PolyPhen-2) suggests that this variant is likely to be tolerated. In summary, the available evidence is currently insufficient to determine the role of this variant in disease. Therefore, it has been classified as a Variant of Uncertain Significance.

GeneDx
Classification: Uncertain significance. Last evaluated: 2019-06-26. Review status: criteria provided, single submitter. Criteria: GeneDx Variant Classification Process June 2021. Collection method: clinical testing. Allele origin: germline. Affected: yes.
Comment: In silico analysis, which includes protein predictors and evolutionary conservation, supports that this variant does not alter protein structure/function; Has not been previously published as pathogenic or benign to our knowledge